The following is an entry in ClinVar:

ClinVar aggregate classification (germline): Uncertain significance (1 of 4 stars; one submission).

Conditions:
POLD1-related polyposis and colorectal cancer syndrome (CRCS10). Also called: Colorectal cancer 10; COLORECTAL CANCER, SUSCEPTIBILITY TO, ON CHROMOSOME 19q; Colorectal cancer, susceptibility to, 10. Identifiers: Orphanet 220460, MedGen C2675481, MONDO:0012953, OMIM 612591.

Submission:

Labcorp Genetics (formerly Invitae), Labcorp
Classification: Uncertain significance for POLD1-related polyposis and colorectal cancer syndrome. Last evaluated: 2024-02-05. Review status: criteria provided, single submitter. Criteria: Invitae Variant Classification Sherloc (09022015). Collection method: clinical testing. Allele origin: germline.
Comment: This sequence change replaces lysine, which is basic and polar, with glutamic acid, which is acidic and polar, at codon 931 of the POLD1 protein (p.Lys931Glu). This variant is not present in population databases (gnomAD no frequency). This variant has not been reported in the literature in individuals affected with POLD1-related conditions. Advanced modeling of protein sequence and biophysical properties (such as structural, functional, and spatial information, amino acid conservation, physicochemical variation, residue mobility, and thermodynamic stability) performed at Invitae indicates that this missense variant is expected to disrupt POLD1 protein function with a positive predictive value of 80%. In summary, the available evidence is currently insufficient to determine the role of this variant in disease. Therefore, it has been classified as a Variant of Uncertain Significance.

NM_002691.4(POLD1):c.2791A>G (p.Lys931Glu)

Gene: POLD1 (DNA polymerase delta 1, catalytic subunit; plus strand). Cytogenetic location: 19q13.33.
Variant type: single nucleotide variant.
Coding change: c.2791A>G on transcript NM_002691.4 (MANE Select); coding-DNA position 2791, A replaced by G.
Protein change: p.Lys931Glu; replaces lysine 931 with glutamic acid.
Molecular consequence: missense variant.
Genome position (GRCh38, 1-based): chr19:50,415,797, A>G. VCF-style: chr19-50415797-A-G. GRCh37 (hg19) VCF-style: chr19-50919054-A-G.
Other names: c.2791A>G, p.Lys931Glu (NM_001256849.1); c.2869A>G, p.Lys957Glu (NM_001308632.1); short protein forms K957E, K931E.
Identifiers: ClinVar variation 3638922 (VCV003638922.2).